The following is an entry in ClinVar:

ClinVar aggregate classification (germline): Pathogenic. Review status: reviewed by expert panel (3 of 4 stars). 4 submissions from 4 submitters: Pathogenic (1). 3 of the submissions do not count toward it. Last evaluated 2016-09-08.

Conditions:
Ovarian neoplasm. Also called: Neoplasm of ovary; Ovarian tumor; Ovarian Neoplasms. Identifiers: MedGen C0919267, MeSH D010051, MONDO:0021068, HP:0100615.
Hereditary breast ovarian cancer syndrome. Also called: Hereditary breast and ovarian cancer syndrome (HBOC); Breast and ovarian cancer; Hereditary breast and ovarian cancer syndrome; Hereditary breast and ovarian cancer; BRCA1- and BRCA2-Associated Hereditary Breast and Ovarian Cancer; Hereditary breast and/or ovarian cancer syndrome. Identifiers: Orphanet 145, MedGen C0677776, MeSH D061325, MONDO:0003582. Disease mechanism: loss of function.
Breast-ovarian cancer, familial, susceptibility to, 1 (BROVCA1). Also called: BRCA1 Hereditary Breast and Ovarian Cancer; OVARIAN CANCER, SUSCEPTIBILITY TO. Identifiers: Orphanet 145, MedGen C2676676, MONDO:0011450, OMIM 604370. Disease mechanism: loss of function.

Submissions (4):

Evidence-based Network for the Interpretation of Germline Mutant Alleles (ENIGMA)
Classification: Pathogenic for Breast-ovarian cancer, familial, susceptibility to, 1. Last evaluated: 2016-09-08. Review status: reviewed by expert panel. Criteria: ENIGMA BRCA1/2 Classification Criteria (2015). Collection method: curation. Allele origin: germline.
Comment: Variant allele predicted to encode a truncated non-functional protein.

Labcorp Genetics (formerly Invitae), Labcorp
Classification: Pathogenic for Hereditary breast ovarian cancer syndrome. Last evaluated: 2023-10-10. Review status: criteria provided, single submitter. Criteria: Invitae Variant Classification Sherloc (09022015). Collection method: clinical testing. Allele origin: germline. Not counted in ClinVar's aggregate classification.
Comment: This sequence change creates a premature translational stop signal (p.Arg133Valfs*30) in the BRCA1 gene. It is expected to result in an absent or disrupted protein product. Loss-of-function variants in BRCA1 are known to be pathogenic (PMID: 20104584). This variant is not present in population databases (gnomAD no frequency). This variant has not been reported in the literature in individuals affected with BRCA1-related conditions. ClinVar contains an entry for this variant (Variation ID: 254374). For these reasons, this variant has been classified as Pathogenic.

GeneKor MSA
Classification: Pathogenic. Last evaluated: 2020-01-01. Review status: criteria provided, single submitter. Criteria: ACMG Guidelines, 2015. Collection method: clinical testing. Allele origin: germline. Not counted in ClinVar's aggregate classification.
Comment: This sequence change deletes one base from exon 6 of the BRCA1 mRNA (c.397delC ) causing a frameshift after codon 133 and the creation of a premature translation stop signal 30 amino acid residues later p.(Arg133Valfs*30). This is expected to result in an absent or disrupted protein product. Truncating variants in BRCA1 are known to be pathogenic.The mutation database Clinvar contains entries for this variant (Variation ID:254374) .

German Consortium for Hereditary Breast and Ovarian Cancer, University Hospital Cologne
Classification: Pathogenic for Ovarian neoplasm. Last evaluated: 2018-12-01. Review status: no assertion criteria provided. Collection method: research. Allele origin: germline. Affected: yes. Not counted in ClinVar's aggregate classification.

Literature cited by the submitters: PubMed 20104584 (cited by Labcorp Genetics (formerly Invitae), Labcorp).

NM_007294.4(BRCA1):c.397del (p.Arg133fs)

Gene: BRCA1 (BRCA1 DNA repair associated; minus strand). Cytogenetic location: 17q21.31.
Variant type: Deletion.
Coding change: c.397del on transcript NM_007294.4 (MANE Select); coding-DNA position 397, one base deleted (C; older notation c.397delC).
Protein change: p.Arg133fs; shifts the reading frame from arginine 133.
Molecular consequence: frameshift variant. On other transcripts: non-coding transcript variant (1).
Genome position (GRCh38, 1-based): chr17:43,104,166, G deleted on the plus strand (C on the coding strand, the reverse complement: BRCA1 is on the minus strand); the first of 2 consecutive G bases (chr17:43,104,166-43,104,167); deleting either gives the same sequence. VCF-style (leftmost placement, unchanged base first): chr17-43104165-CG-C. GRCh37 (hg19) VCF-style: chr17-41256182-CG-C.
Other names: c.397delC (NM_007294.3); c.186delC, p.Arg63Valfs (NM_001407571.1, NM_001408502.1, NM_001408506.1 and 58 more transcripts); c.396delC, p.Arg133Valfs (NM_001407581.1, NM_001407582.1, NM_001407583.1 and 163 more transcripts); c.387delC, p.Arg130Valfs (NM_001407646.1, NM_001407647.1, NM_001408408.1); c.318delC, p.Arg107Valfs (NM_001407653.1, NM_001407654.1, NM_001407655.1 and 21 more transcripts); c.255delC, p.Arg86Valfs (NM_001407692.1, NM_001407694.1, NM_001407695.1 and 98 more transcripts); c.15delC, p.Arg6Valfs (NM_001408510.1, NM_001408512.1, NM_001407959.1 and 4 more transcripts); c.256del, p.Arg86fs (NM_007297.4); and 2 more; short protein forms R133fs, R86fs.
Identifiers: ClinVar variation 254374 (VCV000254374.9), dbSNP rs886037973, ClinGen allele CA10586670.